The following is an entry in ClinVar:

NM_020632.3(ATP6V0A4):c.2429+3A>C

Gene: ATP6V0A4 (ATPase H+ transporting V0 subunit a4; minus strand). Cytogenetic location: 7q34.
Variant type: single nucleotide variant.
Coding change: c.2429+3A>C on transcript NM_020632.3 (MANE Select); 3 bases into the intron after coding-DNA position 2429, A replaced by C.
Molecular consequence: intron variant.
Genome position (GRCh38, 1-based): chr7:138,709,621, T>G on the plus strand (A>C on the coding strand, the complement: ATP6V0A4 is on the minus strand). VCF-style: chr7-138709621-T-G. GRCh37 (hg19) VCF-style: chr7-138394366-T-G.
Other names: c.2429+3A>C (NM_130840.3, NM_130841.3).
Identifiers: ClinVar variation 2499759 (VCV002499759.3), dbSNP rs780878155, ClinGen allele CA4504431.
Genomic context (GRCh38, chr7:138,709,621, plus strand): 5'-GGCCCCACAGCCCACTCCCTTTCCCAACACCACATTGAGCTTCCAGGGGACAACCATCCT[T>G]ACCAGTGCAGTCGCAGGGCGTGCAGGAAAGCAGAGAGGCCCTCCATGATCAGAAGGATGG-3'

ClinVar aggregate classification (germline): Uncertain significance. Review status: criteria provided, multiple submitters, no conflicts (2 of 4 stars). 3 submissions from 3 submitters: Uncertain significance (3). Last evaluated 2024-06-15.

Conditions:
Renal tubular acidosis, distal, 3, with or without sensorineural hearing loss (DRTA3). Identifiers: MedGen C5399980, MONDO:0011268, OMIM 602722.

Allele frequency attached by ClinVar (database versions not stated): ExAC 0.00001.
gnomAD v4.1: 5 of 1,612,034 alleles (0.00031%); highest among the groups gnomAD compares: Non-Finnish European, 0.00042%; no homozygotes.

Submissions (3):

Fulgent Genetics
Classification: Uncertain significance for Renal tubular acidosis, distal, 3, with or without sensorineural hearing loss. Last evaluated: 2024-06-15. Review status: criteria provided, single submitter. Criteria: ACMG Guidelines, 2015. Collection method: clinical testing. Allele origin: germline.

MVZ Medizinische Genetik Mainz
Classification: Uncertain significance for Renal tubular acidosis, distal, 3, with or without sensorineural hearing loss. Last evaluated: 2023-06-20. Review status: criteria provided, single submitter. Criteria: UK Practice Guidelines For Variant Classification V4 01 2020. Collection method: clinical testing. Allele origin: germline. Inheritance: Autosomal recessive inheritance. Affected: yes. Observed: 1 variant allele.
Comment: ACMG Criteria: PM2_SUP,PM3_SUP,PP3,PP4

GeneDx
Classification: Uncertain significance. Last evaluated: 2022-10-24. Review status: criteria provided, single submitter. Criteria: GeneDx Variant Classification Process June 2021. Collection method: clinical testing. Allele origin: germline. Affected: yes.
Comment: Not observed at significant frequency in large population cohorts (gnomAD); In silico analysis supports a deleterious effect on splicing; Has not been previously published as pathogenic or benign to our knowledge